The following is an entry in ClinVar:

ClinVar aggregate classification (germline): Uncertain significance. Review status: criteria provided, multiple submitters, no conflicts (2 of 4 stars). 4 submissions from 4 submitters: Uncertain significance (4). Last evaluated 2026-08-07.

Conditions:
Inborn genetic diseases. Identifiers: MedGen C0950123, MeSH D030342.
DST-related disorder. Also called: DST-related condition; DST-related disorders.
Epidermolysis bullosa simplex 3, localized or generalized intermediate, with BP230 deficiency (EBS3). Also called: Epidermolysis bullosa simplex, autosomal recessive 2; Epidermolysis bullosa simplex due to BP230 deficiency. Identifiers: Orphanet 412181, MedGen C3809470, MONDO:0014180, OMIM 615425.
Hereditary sensory and autonomic neuropathy type 6. Also called: HSAN VI; Neuropathy, hereditary sensory and autonomic, type VI. Identifiers: Orphanet 314381, MedGen C3539003, MONDO:0013839, OMIM 614653.

Allele frequency attached by ClinVar (database versions not stated): TOPMed below 0.00001; gnomAD 0.00001; gnomAD exomes 0.00001 and 0.00002; ExAC 0.00002.
gnomAD v4.1: 30 of 1,613,902 alleles (0.0019%); highest among the groups gnomAD compares: South Asian, 0.0033%; 1 homozygote.

Submissions (4):

PreventionGenetics, part of Exact Sciences
Classification: Uncertain significance for DST-related condition. Last evaluated: 2026-08-07. Review status: criteria provided, single submitter. Criteria: ACMG Guidelines, 2015. Collection method: clinical testing. Allele origin: germline.
Comment: The DST c.10114A>G variant is predicted to result in the amino acid substitution p.Ile3372Val. To our knowledge, this variant has not been reported in the literature. This variant is reported in 0.0041% of alleles in individuals of African descent in gnomAD. At this time, the clinical significance of this variant is uncertain due to the absence of conclusive functional and genetic evidence.

Mayo Clinic Laboratories, Mayo Clinic
Classification: Uncertain significance. Last evaluated: 2025-05-19. Review status: criteria provided, single submitter. Criteria: ACMG Guidelines, 2015. Collection method: clinical testing. Allele origin: germline. Observed: 1 variant allele.
Comment: BP4_moderate, PM2_supporting

Labcorp Genetics (formerly Invitae), Labcorp
Classification: Uncertain significance for Epidermolysis bullosa simplex 3, localized or generalized intermediate, with BP230 deficiency; Hereditary sensory and autonomic neuropathy type 6. Last evaluated: 2022-07-26. Review status: criteria provided, single submitter. Criteria: Invitae Variant Classification Sherloc (09022015). Collection method: clinical testing. Allele origin: germline.
Comment: The DST gene has multiple clinically relevant transcripts. This variant occurs in alternate transcript NM_015548.4, and corresponds to NM_001723.5:c.*63196A>G in the primary transcript. This sequence change replaces isoleucine, which is neutral and non-polar, with valine, which is neutral and non-polar, at codon 2868 of the DST protein (p.Ile2868Val). This variant is present in population databases (rs754589018, gnomAD 0.004%). This variant has not been reported in the literature in individuals affected with DST-related conditions. Experimental studies and prediction algorithms are not available or were not evaluated, and the functional significance of this variant is currently unknown. In summary, the available evidence is currently insufficient to determine the role of this variant in disease. Therefore, it has been classified as a Variant of Uncertain Significance.

Ambry Genetics
Classification: Uncertain significance for Inborn genetic diseases. Last evaluated: 2021-08-02. Review status: criteria provided, single submitter. Criteria: Ambry Variant Classification Scheme 2023. Collection method: clinical testing. Allele origin: germline.
Comment: The p.I3372V variant (also known as c.10114A>G), located in coding exon 55 of the DST gene, results from an A to G substitution at nucleotide position 10114. The isoleucine at codon 3372 is replaced by valine, an amino acid with highly similar properties. This amino acid position is not well conserved in available vertebrate species. In addition, this alteration is predicted to be tolerated by in silico analysis. Since supporting evidence is limited at this time, the clinical significance of this alteration remains unclear.

NM_001374736.1(DST):c.16471A>G (p.Ile5491Val)

Gene: DST (dystonin; minus strand). Cytogenetic location: 6p12.1.
Variant type: single nucleotide variant.
Coding change: c.16471A>G on transcript NM_001374736.1 (MANE Select); coding-DNA position 16471, A replaced by G.
Protein change: p.Ile5491Val; replaces isoleucine 5491 with valine.
Molecular consequence: missense variant.
Genome position (GRCh38, 1-based): chr6:56,552,321, T>C on the plus strand (A>G on the coding strand, the complement: DST is on the minus strand). VCF-style: chr6-56552321-T-C. GRCh37 (hg19) VCF-style: chr6-56417119-T-C.
Other names: p.Ile2868Val; c.10114A>G, p.Ile3372Val (NM_001144769.5); c.9700A>G, p.Ile3234Val (NM_001144770.2); c.16471A>G, p.Ile5491Val (NM_001374722.1); c.15838A>G, p.Ile5280Val (NM_001374729.1); c.9580A>G, p.Ile3194Val (NM_001374730.1, NM_183380.4); c.16498A>G, p.Ile5500Val (NM_001374734.1); c.8602A>G, p.Ile2868Val (NM_015548.5); short protein forms I3194V, I2868V, I3372V, I5500V, I5491V, I3234V, I5280V.
Identifiers: ClinVar variation 965144 (VCV000965144.11), dbSNP rs754589018, ClinGen allele CA3867680.